The following is an entry in ClinVar:

ClinVar aggregate classification (germline): Uncertain significance (1 of 4 stars; one submission).

Conditions:
Cardiomyopathy (CMYO). Also called: Cardiomyopathies. Identifiers: Orphanet 167848, MedGen C0878544, MONDO:0004994, HP:0001638. Inheritance: Various modes of inheritance.

gnomAD v4.1: 1 of 1,613,788 alleles (0.000062%); highest among the groups gnomAD compares: South Asian, 0.0011%; no homozygotes.

Submission:

Color Diagnostics, LLC DBA Color Health
Classification: Uncertain significance for Cardiomyopathy. Last evaluated: 2022-08-16. Review status: criteria provided, single submitter. Criteria: ACMG Guidelines, 2015. Collection method: clinical testing. Allele origin: germline.
Comment: This variant is located in the 3' untranslated region of the DSG2 gene. To our knowledge, functional studies have not been reported for this variant. This variant has not been reported in individuals affected with cardiovascular disorders in the literature. This variant has not been identified in the general population by the Genome Aggregation Database (gnomAD). The available evidence is insufficient to determine the role of this variant in disease conclusively. Therefore, this variant is classified as a Variant of Uncertain Significance.

NM_001943.5(DSG2):c.*2C>G

Genes: DSG2 (desmoglein 2; plus strand), DSG2-AS1 (DSG2 antisense RNA 1; minus strand). Cytogenetic location: 18q12.1.
Variant type: single nucleotide variant.
Coding change: c.*2C>G on transcript NM_001943.5 (MANE Select); 2 bases downstream of the stop codon, C replaced by G.
Molecular consequence: 3 prime UTR variant.
Genome position (GRCh38, 1-based): chr18:31,546,745, C>G. VCF-style: chr18-31546745-C-G. GRCh37 (hg19) VCF-style: chr18-29126708-C-G.
Identifiers: ClinVar variation 2775250 (VCV002775250.2), dbSNP rs183494886, ClinGen allele CA2641407662.